The following is an entry in ClinVar:

ClinVar aggregate classification (germline): Benign (1 of 4 stars; one submission).

Conditions:
Familial adenomatous polyposis 1 (FAP1). Also called: POLYPOSIS, ADENOMATOUS INTESTINAL; FAMILIAL ADENOMATOUS POLYPOSIS 1, ATTENUATED. Identifiers: MedGen C2713442, MONDO:0021056, OMIM 175100. Disease mechanism: loss of function.

Submission:

Myriad Genetics, Inc.
Classification: Benign for Familial adenomatous polyposis 1. Last evaluated: 2024-02-26. Review status: criteria provided, single submitter. Criteria: Myriad Autosomal Dominant, Autosomal Recessive and X-Linked Classification Criteria (2023). Collection method: clinical testing. Allele origin: unknown.
Comment: This variant is considered benign. This variant is a silent/synonymous amino acid change and it is not expected to impact splicing.

NM_000038.6(APC):c.657C>G (p.Ala219=)

Gene: APC (APC regulator of Wnt signaling pathway; plus strand). Cytogenetic location: 5q22.2.
Variant type: single nucleotide variant.
Coding change: c.657C>G on transcript NM_000038.6 (MANE Select); coding-DNA position 657, C replaced by G.
Protein change: p.Ala219=; no amino-acid change (alanine 219 retained).
Molecular consequence: synonymous variant. On other transcripts: non-coding transcript variant (2), intron variant (5), 5 prime UTR variant (4).
Genome position (GRCh38, 1-based): chr5:112,792,457, C>G. VCF-style: chr5-112792457-C-G. GRCh37 (hg19) VCF-style: chr5-112128154-C-G.
Other names: c.646-8822C>G (NM_001407452.1, NM_001407469.1, NM_001407467.1 and 1 more transcripts); c.676-8822C>G (NM_001127511.3); c.657C>G, p.Ala219= (NM_001127510.3, NM_001354895.2, NM_001354896.2 and 12 more transcripts); c.687C>G, p.Ala229= (NM_001354897.2, NM_001354902.2, NM_001407446.1); c.582C>G, p.Ala194= (NM_001354898.2, NM_001354904.2, NM_001407451.1); c.480C>G, p.Ala160= (NM_001354900.2, NM_001354901.2, NM_001354905.2 and 1 more transcripts); c.-379C>G (NM_001354906.2, NM_001407470.1, NM_001407471.1 and 1 more transcripts).
Identifiers: ClinVar variation 3148506 (VCV003148506.1), dbSNP rs2149684115, ClinGen allele CA445755554.
Genomic context (GRCh38, chr5:112,792,457, plus strand): 5'-AATATTATTAATAAAAACATAACTAATTAGGTTTCTTGTTTTATTTTAGCGAAGAATAGC[C>G]AGAATTCAGCAAATCGAAAAGGACATACTTCGTATACGACAGCTTTTACAGTCCCAAGCA-3'
Protein context (NP_000029.2, residues 209-229): DMEKRAQRRI[Ala219=]RIQQIEKDIL